The following is an entry in ClinVar:

NM_000478.6(ALPL):c.648+1G>T

Gene: ALPL (alkaline phosphatase, biomineralization associated; plus strand). Cytogenetic location: 1p36.12.
Variant type: single nucleotide variant.
Coding change: c.648+1G>T on transcript NM_000478.6 (MANE Select); the canonical splice donor site of the intron after coding-DNA position 648, G replaced by T.
Molecular consequence: splice donor variant.
Genome position (GRCh38, 1-based): chr1:21,564,217, G>T. VCF-style: chr1-21564217-G-T. GRCh37 (hg19) VCF-style: chr1-21890710-G-T.
Other names: c.648+1G>T (NM_001369805.2, NM_001369804.2, NM_001369803.2); c.483+1G>T (NM_001127501.4); c.417+1G>T (NM_001177520.3).
Identifiers: ClinVar variation 2676591 (VCV002676591.2), dbSNP rs749544042, ClinGen allele CA338878456.
Genomic context (GRCh38, chr1:21,564,217, plus strand): 5'-TTGAGCCAGGGCTGTAAGGACATCGCCTACCAGCTCATGCATAACATCAGGGACATTGAC[G>T]TGAGTGCTCGGGGGCAGCCGGGCAGGGACGGGGTGAGGCGGGGCCTCTGGTGGGCAGGAG-3'

ClinVar aggregate classification (germline): Pathogenic. Review status: criteria provided, multiple submitters, no conflicts (2 of 4 stars). 2 submissions from 2 submitters: Pathogenic (2). Last evaluated 2025-08-29.

Conditions:
Hypophosphatasia. Also called: Phosphoethanol-aminuria. Identifiers: Orphanet 436, MedGen C0020630, MeSH D007014, MONDO:0018570.
Adult hypophosphatasia. Identifiers: Orphanet 247676, Orphanet 436, MedGen C0268413, MONDO:1010154, OMIM 146300, MONDO:0007798.

gnomAD v4.1: 2 of 1,613,536 alleles (0.00012%); highest among the groups gnomAD compares: Non-Finnish European, 0.00017%; no homozygotes.

Submissions (2):

Genomenon, Inc
Classification: Pathogenic for Hypophosphatasia. Last evaluated: 2025-08-29. Review status: criteria provided, single submitter. Criteria: Genomenon Sequence Variant Interpretation Standards. Collection method: curation. Allele origin: germline. Affected: yes.
Comment: ALPL c.648+1G>T is a canonical splice variant located in the donor splice region of intron 6. This variant has been observed in at least one proband affected with hypophosphatasia (PMID:15694177). It is absent or not present at a significant frequency in gnomAD. In conclusion, we classify ALPL c.648+1G>T as a pathogenic variant.

Baylor Genetics
Classification: Pathogenic for Adult hypophosphatasia. Last evaluated: 2023-05-16. Review status: criteria provided, single submitter. Criteria: ACMG Guidelines, 2015. Collection method: clinical testing. Allele origin: unknown.

Literature cited by the submitters: PubMed 15694177 (cited by Genomenon, Inc).